The following is an entry in ClinVar:

ClinVar aggregate classification (germline): Benign (0 of 4 stars; one submission).

Conditions:
TOP6BL-related disorder. Also called: TOP6BL-related condition.

Allele frequency attached by ClinVar (database versions not stated): gnomAD exomes 0.00091; ExAC 0.00285; ESP Exome Variant Server 0.00894; gnomAD 0.00909; 1000 Genomes Project 0.01138; TOPMed 0.01145; 1000 Genomes Project 30x 0.01156.
gnomAD v4.1: 2,771 of 1,607,744 alleles (0.17%); highest among the groups gnomAD compares: African/African-American, 3.1%; 43 homozygotes.

Submission:

PreventionGenetics, part of Exact Sciences
Classification: Benign for TOP6BL-related condition. Last evaluated: 2019-04-18. Review status: no assertion criteria provided. Collection method: clinical testing. Allele origin: germline.
Comment: This variant is classified as benign based on ACMG/AMP sequence variant interpretation guidelines (Richards et al. 2015 PMID: 25741868, with internal and published modifications).

NM_001302084.2(TOP6BL):c.128T>C (p.Ile43Thr)

Gene: TOP6BL (TOP6B like initiator of meiotic double strand breaks; plus strand). Cytogenetic location: 11q13.2.
Variant type: single nucleotide variant.
Coding change: c.128T>C on transcript NM_001302084.2 (MANE Select); coding-DNA position 128, T replaced by C.
Protein change: p.Ile43Thr; replaces isoleucine 43 with threonine.
Molecular consequence: missense variant.
Genome position (GRCh38, 1-based): chr11:66,788,262, T>C. VCF-style: chr11-66788262-T-C. GRCh37 (hg19) VCF-style: chr11-66555733-T-C.
Other names: c.479T>C, p.Ile160Thr (NM_024650.4); short protein forms I160T, I209T, I43T.
Identifiers: ClinVar variation 3050115 (VCV003050115.2), dbSNP rs80276325, ClinGen allele CA6129896.
Genomic context (GRCh38, chr11:66,788,262, plus strand): 5'-GGACTTCAGAGGAAGGCAGCTATTCTCAGGATATGACAGGGGTAACACCCTTCCAGATGA[T>C]TTTTGAGGCAGGTTTTGTTGTGGTCTTATAAATTACTAATGATTTTATTCTTATTTTTCT-3'
Protein context (NP_001289013.1, residues 33-53): DMTGVTPFQM[Ile43Thr]FEVDEKPRTL